The following is an entry in ClinVar:

ClinVar aggregate classification (germline): Conflicting classifications of pathogenicity. Review status: criteria provided, conflicting classifications (1 of 4 stars). 15 submissions from 12 submitters: Uncertain significance (13); Likely benign (2). Last evaluated 2026-01-18.

Conditions:
Congenital myasthenic syndrome (CMS). Also called: Congenital Myasthenic Syndromes. Identifiers: Orphanet 590, MedGen C0751882, MeSH D020294, MONDO:0018940.
Congenital multicore myopathy with external ophthalmoplegia (CMYO1B). Also called: MULTICORE MYOPATHY; Congenital myopathy 1B, autosomal recessive; Minicore myopathy; Minicore myopathy with external ophthalmoplegia; MULTIMINICORE DISEASE WITH EXTERNAL OPHTHALMOPLEGIA. Identifiers: Orphanet 598, Orphanet 98905, MedGen C1850674, MONDO:0009712, OMIM 255320, HP:0003789.
Central core myopathy (CMYO1A). Also called: Central core disease; Myopathy, central fibrillar; CONGENITAL MYOPATHY 1A, AUTOSOMAL DOMINANT, WITH SUSCEPTIBILITY TO MALIGNANT HYPERTHERMIA. Identifiers: Orphanet 597, MedGen C5830701, MONDO:0007294, OMIM 117000.
Malignant hyperthermia, susceptibility to, 1 (MHS1). Also called: Anesthesia related hyperthermia; Malignant hyperpyrexia; Fulminating hyperpyrexia; Pharmacogenic myopathy; Malignant hyperthermia suceptibility 1; RYR1-Related Malignant Hyperthermia Susceptibility. Identifiers: Orphanet 423, MedGen C2930980, MONDO:0007783, OMIM 145600.
Congenital myopathy with fiber type disproportion. Also called: Congenital fiber-type disproportion; Congenital fiber-type disproportion myopathy. Identifiers: Orphanet 2020, MedGen C0546264, MONDO:0009711. Inheritance: all.
RYR1-related disorder. Also called: RYR1-related condition; RYR1-related disorders. Identifiers: MedGen CN239331.

Allele frequency attached by ClinVar (database versions not stated): ExAC 0.00009; ESP Exome Variant Server 0.00011; gnomAD exomes 0.00022 and 0.00024; TOPMed 0.00022; gnomAD 0.00025 and 0.00026.
gnomAD v4.1: 366 of 1,543,788 alleles (0.024%); highest among the groups gnomAD compares: Middle Eastern, 0.053%; no homozygotes.

Submissions (15):

Labcorp Genetics (formerly Invitae), Labcorp
Classification: Likely benign for RYR1-related disorder. Last evaluated: 2026-01-18. Review status: criteria provided, single submitter. Criteria: Invitae Variant Classification Sherloc (09022015). Collection method: clinical testing. Allele origin: germline.

Color Diagnostics, LLC DBA Color Health
Classification: Uncertain significance for Malignant hyperthermia, susceptibility to, 1. Last evaluated: 2025-11-14. Review status: criteria provided, single submitter. Criteria: ACMG Guidelines, 2015. Collection method: clinical testing. Allele origin: germline.
Comment: This missense variant replaces alanine with valine at codon 1372 of the RYR1 protein. Computational prediction suggests that this variant may not impact protein structure and function. To our knowledge, functional studies have not been reported for this variant. This variant has not been reported in individuals affected with RYR1-related disorders in the literature. This variant has been identified in 366/1543788 chromosomes in the general population by the Genome Aggregation Database (gnomAD). The available evidence is insufficient to determine the role of this variant in disease conclusively. Therefore, this variant is classified as a Variant of Uncertain Significance.

PreventionGenetics, part of Exact Sciences
Classification: Uncertain significance for RYR1-related condition. Last evaluated: 2025-10-13. Review status: criteria provided, single submitter. Criteria: ACMG Guidelines, 2015. Collection method: clinical testing. Allele origin: germline.
Comment: The RYR1 c.4115C>T variant is predicted to result in the amino acid substitution p.Ala1372Val. This variant has been reported in a cohort of individuals with suspected RYR1-related disorders; however, detailed clinical information was not available (Table S2, Kushnir et al. 2020. PubMed ID: 32236737). This variant is reported in 0.038% of alleles in individuals of European (Non-Finnish) descent in gnomAD. At this time, the clinical significance of this variant is uncertain due to the absence of conclusive functional and genetic evidence.

Mayo Clinic Laboratories, Mayo Clinic
Classification: Uncertain significance. Last evaluated: 2025-07-10. Review status: criteria provided, single submitter. Criteria: ACMG Guidelines, 2015. Collection method: clinical testing. Allele origin: germline. Observed: 2 variant alleles.
Comment: BP4_moderate

Blueprint Genetics
Classification: Uncertain significance. Last evaluated: 2024-11-28. Review status: criteria provided, single submitter. Criteria: ACMG Guidelines, 2015. Collection method: clinical testing. Allele origin: germline.

Revvity Omics, Revvity
Classification: Uncertain significance. Last evaluated: 2024-10-16. Review status: criteria provided, single submitter. Criteria: ACMG Guidelines, 2015. Collection method: clinical testing. Allele origin: germline.

All of Us Research Program, National Institutes of Health
Classification: Uncertain significance for Malignant hyperthermia, susceptibility to, 1. Last evaluated: 2024-09-17. Review status: criteria provided, single submitter. Criteria: ACMG Guidelines, 2015. Collection method: clinical testing. Allele origin: germline. Inheritance: Autosomal dominant inheritance. Observed: 116 variant alleles, 116 heterozygotes.
Comment: This missense variant replaces alanine with valine at codon 1372 of the RYR1 protein. Computational prediction suggests that this variant may not impact protein structure and function (internally defined REVEL score threshold <= 0.5, PMID: 27666373). To our knowledge, functional studies have not been reported for this variant. This variant has not been reported in individuals affected with malignant hyperthermia in the literature. This variant has been identified in 36/170906 chromosomes in the general population by the Genome Aggregation Database (gnomAD). The available evidence is insufficient to determine the role of this variant in disease conclusively. Therefore, this variant is classified as a Variant of Uncertain Significance.

This study involves interpretation of variants in research participants for the purpose of population health screening. Participant phenotype was not available at the time of variant classification. Additional details can be found in publication PMID: 35346344, PMCID: PMC8962531

Women's Health and Genetics/Laboratory Corporation of America, LabCorp
Classification: Uncertain significance. Last evaluated: 2024-02-16. Review status: criteria provided, single submitter. Criteria: LabCorp Variant Classification Summary - May 2015. Collection method: clinical testing. Allele origin: germline.
Comment: Variant summary: RYR1 c.4115C>T (p.Ala1372Val) results in a non-conservative amino acid change located in the B30.2/SPRY domain (IPR001870) of the encoded protein sequence. Four of five in-silico tools predict a benign effect of the variant on protein function. The variant allele was found at a frequency of 0.00024 in 1543788 control chromosomes (gnomAD). To our knowledge, no occurrence of c.4115C>T in individuals affected with Myopathy, RYR1-Associated and no experimental evidence demonstrating its impact on protein function have been reported. ClinVar contains an entry for this variant (Variation ID: 374135). Based on the evidence outlined above, the variant was classified as uncertain significance.

GeneDx
Classification: Likely benign. Last evaluated: 2020-09-22. Review status: criteria provided, single submitter. Criteria: GeneDx Variant Classification Process June 2021. Collection method: clinical testing. Allele origin: germline. Affected: yes.
Comment: In silico analysis, which includes protein predictors and evolutionary conservation, supports that this variant does not alter protein structure/function; Has not been previously published as pathogenic or benign to our knowledge

CeGaT Center for Human Genetics Tuebingen
Classification: Uncertain significance. Last evaluated: 2019-09-01. Review status: criteria provided, single submitter. Criteria: CeGaT Center For Human Genetics Tuebingen Variant Classification Criteria Version 2. Collection method: clinical testing. Allele origin: germline. Affected: yes. Observed: 5 variant alleles.

Illumina Laboratory Services, Illumina
Classification: Uncertain significance for Central core myopathy. Last evaluated: 2018-01-12. Review status: criteria provided, single submitter. Criteria: ICSL Variant Classification Criteria 13 December 2019. Collection method: clinical testing. Allele origin: germline.

Illumina Laboratory Services, Illumina
Classification: Uncertain significance for Congenital multicore myopathy with external ophthalmoplegia. Last evaluated: 2018-01-12. Review status: criteria provided, single submitter. Criteria: ICSL Variant Classification Criteria 13 December 2019. Collection method: clinical testing. Allele origin: germline.

Illumina Laboratory Services, Illumina
Classification: Uncertain significance for Malignant hyperthermia, susceptibility to, 1. Last evaluated: 2018-01-12. Review status: criteria provided, single submitter. Criteria: ICSL Variant Classification Criteria 13 December 2019. Collection method: clinical testing. Allele origin: germline.

Centre for Mendelian Genomics, University Medical Centre Ljubljana
Classification: Uncertain significance for Congenital myopathy 4A, autosomal dominant. Last evaluated: 2016-01-01. Review status: criteria provided, single submitter. Criteria: ACMG Guidelines, 2015. Collection method: clinical testing. Allele origin: unknown. Affected: yes.
Comment: This variant was classified as: Uncertain significance.

Centre for Mendelian Genomics, University Medical Centre Ljubljana
Classification: Uncertain significance for Congenital myasthenic syndrome. Last evaluated: 2015-01-15. Review status: criteria provided, single submitter. Criteria: ACMG Guidelines, 2015. Collection method: clinical testing. Allele origin: unknown. Affected: yes.

Literature cited by the submitters: PubMed 37937776 (cited by Mayo Clinic Laboratories, Mayo Clinic).

NM_000540.3(RYR1):c.4115C>T (p.Ala1372Val)

Gene: RYR1 (ryanodine receptor 1; plus strand). Cytogenetic location: 19q13.2.
Variant type: single nucleotide variant.
Coding change: c.4115C>T on transcript NM_000540.3 (MANE Select); coding-DNA position 4115, C replaced by T.
Protein change: p.Ala1372Val; replaces alanine 1372 with valine.
Molecular consequence: missense variant.
Genome position (GRCh38, 1-based): chr19:38,473,726, C>T. VCF-style: chr19-38473726-C-T. GRCh37 (hg19) VCF-style: chr19-38964366-C-T.
Other names: p.Ala1372Val; c.4115C>T, p.Ala1372Val (NM_001042723.2); short protein forms A1372V.
Identifiers: ClinVar variation 374135 (VCV000374135.73), dbSNP rs370966353, ClinGen allele CA065572.